The following is an entry in ClinVar:

NM_031407.7(HUWE1):c.10289C>T (p.Pro3430Leu)

Gene: HUWE1 (HECT, UBA and WWE domain containing E3 ubiquitin protein ligase 1; minus strand). Cytogenetic location: Xp11.22.
Variant type: single nucleotide variant.
Coding change: c.10289C>T on transcript NM_031407.7 (MANE Select); coding-DNA position 10289, C replaced by T.
Protein change: p.Pro3430Leu; replaces proline 3430 with leucine.
Molecular consequence: missense variant.
Genome position (GRCh38, 1-based): chrX:53,548,020, G>A on the plus strand (C>T on the coding strand, the complement: HUWE1 is on the minus strand). VCF-style: chrX-53548020-G-A. GRCh37 (hg19) VCF-style: chrX-53574981-G-A.
Other names: short protein forms P3430L.
Identifiers: ClinVar variation 3381587 (VCV003381587.1).
Genomic context (GRCh38, chrX:53,548,020, plus strand): 5'-GTTAAGAGAGAGCTCCGGCGGATGACTGGGTGTGACAACATGTTCATGAGCTGCCCCAGT[G>A]GAGAGGCCTCGAGGCTGTATGGAGAGGTTTCCCCCTCACCGCCAGCGCTCACTGGCACTG-3'
Protein context (NP_113584.3, residues 3420-3440): ETSPYSLEAS[Pro3430Leu]LGQLMNMLSH

ClinVar aggregate classification (germline): Uncertain significance (1 of 4 stars; one submission).

gnomAD v4.1: 1 of 1,211,539 alleles (0.000083%); highest among the groups gnomAD compares: Non-Finnish European, 0.00011%; no homozygotes.

Submission:

GeneDx
Classification: Uncertain significance. Last evaluated: 2024-05-19. Review status: criteria provided, single submitter. Criteria: GeneDx Variant Classification Process June 2021. Collection method: clinical testing. Allele origin: germline. Affected: yes.
Comment: Has not been previously published as pathogenic or benign to our knowledge; Not observed at significant frequency in large population cohorts (gnomAD); In silico analysis supports that this missense variant has a deleterious effect on protein structure/function